The following is an entry in ClinVar:

NM_013444.4(UBQLN2):c.1616C>G (p.Ser539Cys)

Gene: UBQLN2 (ubiquilin 2; plus strand). Cytogenetic location: Xp11.21.
Variant type: single nucleotide variant.
Coding change: c.1616C>G on transcript NM_013444.4 (MANE Select); coding-DNA position 1616, C replaced by G.
Protein change: p.Ser539Cys; replaces serine 539 with cysteine.
Molecular consequence: missense variant.
Genome position (GRCh38, 1-based): chrX:56,565,489, C>G. VCF-style: chrX-56565489-C-G. GRCh37 (hg19) VCF-style: chrX-56591922-C-G.
Other names: short protein forms S539C.
Identifiers: ClinVar variation 3897414 (VCV003897414.1).

ClinVar aggregate classification (germline): Uncertain significance (1 of 4 stars; one submission).

Submission:

GeneDx
Classification: Uncertain significance. Last evaluated: 2024-11-02. Review status: criteria provided, single submitter. Criteria: GeneDx Variant Classification Process June 2021. Collection method: clinical testing. Allele origin: germline. Affected: yes.
Comment: Not observed at significant frequency in large population cohorts (gnomAD); In silico analysis indicates that this missense variant does not alter protein structure/function; Has not been previously published as pathogenic or benign to our knowledge